The following is an entry in ClinVar:

ClinVar aggregate classification (germline): Uncertain significance (1 of 4 stars; one submission).

Conditions:
Hereditary sensory neuropathy-deafness-dementia syndrome. Also called: HSN IE; Hereditary sensory neuropathy type IE; NEUROPATHY, HEREDITARY SENSORY, WITH HEARING LOSS AND DEMENTIA; Hereditary Sensory and Autonomic Neuropathy Type 1E (HSAN1E). Identifiers: Orphanet 456318, MedGen C3279885, MONDO:0013584, OMIM 614116.

Submission:

Labcorp Genetics (formerly Invitae), Labcorp
Classification: Uncertain significance for Hereditary sensory neuropathy-deafness-dementia syndrome. Last evaluated: 2024-09-21. Review status: criteria provided, single submitter. Criteria: Invitae Variant Classification Sherloc (09022015). Collection method: clinical testing. Allele origin: germline.
Comment: This sequence change replaces lysine, which is basic and polar, with glutamine, which is neutral and polar, at codon 1602 of the DNMT1 protein (p.Lys1602Gln). This variant is not present in population databases (gnomAD no frequency). This variant has not been reported in the literature in individuals affected with DNMT1-related conditions. Invitae Evidence Modeling of protein sequence and biophysical properties (such as structural, functional, and spatial information, amino acid conservation, physicochemical variation, residue mobility, and thermodynamic stability) indicates that this missense variant is not expected to disrupt DNMT1 protein function with a negative predictive value of 80%. In summary, the available evidence is currently insufficient to determine the role of this variant in disease. Therefore, it has been classified as a Variant of Uncertain Significance.

NM_001130823.3(DNMT1):c.4804A>C (p.Lys1602Gln)

Gene: DNMT1 (DNA methyltransferase 1; minus strand). Cytogenetic location: 19p13.2.
Variant type: single nucleotide variant.
Coding change: c.4804A>C on transcript NM_001130823.3 (MANE Select); coding-DNA position 4804, A replaced by C.
Protein change: p.Lys1602Gln; replaces lysine 1602 with glutamine.
Molecular consequence: missense variant.
Genome position (GRCh38, 1-based): chr19:10,134,277, T>G on the plus strand (A>C on the coding strand, the complement: DNMT1 is on the minus strand). VCF-style: chr19-10134277-T-G. GRCh37 (hg19) VCF-style: chr19-10244953-T-G.
Other names: c.4765A>C, p.Lys1589Gln (NM_001318730.2); c.4441A>C, p.Lys1481Gln (NM_001318731.2); c.4756A>C, p.Lys1586Gln (NM_001379.4); short protein forms K1602Q, K1481Q, K1586Q, K1589Q.
Identifiers: ClinVar variation 3723083 (VCV003723083.2).
Genomic context (GRCh38, chr19:10,134,277, plus strand): 5'-CTGAGGCACTCTCTCGGGCTTTGGCCAACATACAAAGCTTGATCTCCAAGCCAATGGCTT[T>G]GGCCAGGGGCGGTGGCACGGCATTGCCCACCTGCAGGAGGGGAGAAGGGCAATGCCTGAT-3'
Protein context (NP_001124295.1, residues 1592-1612): VGNAVPPPLA[Lys1602Gln]AIGLEIKLCM